The following is an entry in ClinVar:

ClinVar aggregate classification (germline): Conflicting classifications of pathogenicity. Review status: criteria provided, conflicting classifications (1 of 4 stars). 4 submissions from 4 submitters: Uncertain significance (3); Likely benign (1). Last evaluated 2023-03-23.

Conditions:
Breast-ovarian cancer, familial, susceptibility to, 2 (BROVCA2). Also called: BRCA2 Hereditary Breast and Ovarian Cancer. Identifiers: Orphanet 145, MedGen C2675520, MONDO:0012933, OMIM 612555. Disease mechanism: loss of function.
Hereditary cancer-predisposing syndrome. Also called: Neoplastic Syndromes, Hereditary; Tumor predisposition; Hereditary neoplastic syndrome; Hereditary Cancer Syndrome. Identifiers: Orphanet 140162, MedGen C0027672, MeSH D009386, MONDO:0015356.
Hereditary breast ovarian cancer syndrome. Also called: Hereditary breast and/or ovarian cancer syndrome; BRCA1- and BRCA2-Associated Hereditary Breast and Ovarian Cancer; Breast and ovarian cancer; Hereditary breast and ovarian cancer syndrome (HBOC); Hereditary breast and ovarian cancer; Hereditary breast and ovarian cancer syndrome. Identifiers: Orphanet 145, MedGen C0677776, MeSH D061325, MONDO:0003582. Disease mechanism: loss of function.

Submissions (4):

All of Us Research Program, National Institutes of Health
Classification: Uncertain significance for Breast-ovarian cancer, familial, susceptibility to, 2. Last evaluated: 2023-03-23. Review status: criteria provided, single submitter. Criteria: ACMG Guidelines, 2015. Collection method: clinical testing. Allele origin: germline. Inheritance: Autosomal dominant inheritance. Observed: 1 variant allele, 1 heterozygote.
Comment: This missense variant replaces phenylalanine with serine at codon 1698 of the BRCA2 protein. Computational prediction suggests that this variant may not impact protein structure and function (internally defined REVEL score threshold <= 0.5, PMID: 27666373). To our knowledge, functional studies have not been reported for this variant. This variant has not been reported in individuals affected with hereditary cancer in the literature. This variant has been identified in 1/31386 chromosomes in the general population by the Genome Aggregation Database (gnomAD). The available evidence is insufficient to determine the role of this variant in disease conclusively. Therefore, this variant is classified as a Variant of Uncertain Significance.

This study involves interpretation of variants in research participants for the purpose of population health screening. Participant phenotype was not available at the time of variant classification. Additional details can be found in publication PMID: 35346344, PMCID: PMC8962531

University of Washington Department of Laboratory Medicine, University of Washington
Classification: Likely benign for Hereditary cancer-predisposing syndrome. Last evaluated: 2023-03-23. Review status: criteria provided, single submitter. Criteria: Dines et al. (Genet Med. 2020). Collection method: curation. Allele origin: germline.
Comment: Missense variant in a coldspot region where missense variants are very unlikely to be pathogenic (PMID:31911673).

BRCA2 exon 11 coldspot. Reclassification based on statistical prior probability.

Labcorp Genetics (formerly Invitae), Labcorp
Classification: Uncertain significance for Hereditary breast ovarian cancer syndrome. Last evaluated: 2022-07-07. Review status: criteria provided, single submitter. Criteria: Invitae Variant Classification Sherloc (09022015). Collection method: clinical testing. Allele origin: germline.
Comment: In summary, the available evidence is currently insufficient to determine the role of this variant in disease. Therefore, it has been classified as a Variant of Uncertain Significance. Advanced modeling of protein sequence and biophysical properties (such as structural, functional, and spatial information, amino acid conservation, physicochemical variation, residue mobility, and thermodynamic stability) performed at Invitae indicates that this missense variant is not expected to disrupt BRCA2 protein function. ClinVar contains an entry for this variant (Variation ID: 1485078). This variant has not been reported in the literature in individuals affected with BRCA2-related conditions. This variant is present in population databases (no rsID available, gnomAD 0.01%). This sequence change replaces phenylalanine, which is neutral and non-polar, with serine, which is neutral and polar, at codon 1698 of the BRCA2 protein (p.Phe1698Ser).

Ambry Genetics
Classification: Uncertain significance for Hereditary cancer-predisposing syndrome. Last evaluated: 2022-06-02. Review status: criteria provided, single submitter. Criteria: Ambry Variant Classification Scheme 2023. Collection method: clinical testing. Allele origin: germline.
Comment: The p.F1698S variant (also known as c.5093T>C), located in coding exon 10 of the BRCA2 gene, results from a T to C substitution at nucleotide position 5093. The phenylalanine at codon 1698 is replaced by serine, an amino acid with highly dissimilar properties. This amino acid position is conserved. In addition, this alteration is predicted to be tolerated by in silico analysis. Since supporting evidence is limited at this time, the clinical significance of this alteration remains unclear.

NM_000059.4(BRCA2):c.5093T>C (p.Phe1698Ser)

Gene: BRCA2 (BRCA2 DNA repair associated; plus strand). Cytogenetic location: 13q13.1.
Variant type: single nucleotide variant.
Coding change: c.5093T>C on transcript NM_000059.4 (MANE Select); coding-DNA position 5093, T replaced by C.
Protein change: p.Phe1698Ser; replaces phenylalanine 1698 with serine.
Molecular consequence: missense variant.
Genome position (GRCh38, 1-based): chr13:32,339,448, T>C. VCF-style: chr13-32339448-T-C. GRCh37 (hg19) VCF-style: chr13-32913585-T-C.
Other names: short protein forms F1698S.
Identifiers: ClinVar variation 1485078 (VCV001485078.13), dbSNP rs1224120349, ClinGen allele CA387784106.